The following is an entry in ClinVar:

ClinVar aggregate classification (germline): Benign/Likely benign. Review status: criteria provided, multiple submitters, no conflicts (2 of 4 stars). 9 submissions from 9 submitters: Benign (1); Likely benign (7). 1 of the submissions does not count toward it. Last evaluated 2026-05-22.

Conditions:
NF1-related disorder. Also called: NF1-related condition. Identifiers: MedGen CN379171.
Hereditary cancer-predisposing syndrome. Also called: Tumor predisposition; Hereditary neoplastic syndrome; Neoplastic Syndromes, Hereditary; Hereditary Cancer Syndrome. Identifiers: Orphanet 140162, MedGen C0027672, MeSH D009386, MONDO:0015356.
Neurofibromatosis, type 1 (NF1). Also called: Neurofibromatosis, type I; NEUROFIBROMATOSIS, TYPE I, SOMATIC; VON RECKLINGHAUSEN DISEASE; Peripheral type neurofibromatosis. Identifiers: Orphanet 636, MedGen C0027831, MONDO:0018975, OMIM 162200. Disease mechanism: loss of function.

Allele frequency attached by ClinVar (database versions not stated): gnomAD 0.00002; TOPMed 0.00002; ExAC 0.00003; ESP Exome Variant Server 0.00015; gnomAD exomes 0.00002.
gnomAD v4.1: 35 of 1,613,734 alleles (0.0022%); highest among the groups gnomAD compares: Non-Finnish European, 0.0024%; no homozygotes.

Submissions (9):

Myriad Genetics, Inc.
Classification: Benign for Neurofibromatosis, type 1. Last evaluated: 2026-05-22. Review status: criteria provided, single submitter. Criteria: Myriad Autosomal Dominant, Autosomal Recessive and X-Linked Classification Criteria (2023). Collection method: clinical testing. Allele origin: unknown.
Comment: This variant is considered benign. This variant is a silent/synonymous amino acid change and it is not expected to impact splicing.

Labcorp Genetics (formerly Invitae), Labcorp
Classification: Likely benign for Neurofibromatosis, type 1. Last evaluated: 2025-12-24. Review status: criteria provided, single submitter. Criteria: Invitae Variant Classification Sherloc (09022015). Collection method: clinical testing. Allele origin: germline.

Mayo Clinic Laboratories, Mayo Clinic
Classification: Likely benign. Last evaluated: 2025-02-21. Review status: criteria provided, single submitter. Criteria: ACMG Guidelines, 2015. Collection method: clinical testing. Allele origin: germline. Observed: 1 variant allele.
Comment: BP4, BP7

Women's Health and Genetics/Laboratory Corporation of America, LabCorp
Classification: Likely benign. Last evaluated: 2023-05-28. Review status: criteria provided, single submitter. Criteria: LabCorp Variant Classification Summary - May 2015. Collection method: clinical testing. Allele origin: germline.

Genome-Nilou Lab
Classification: Likely benign for Neurofibromatosis, type 1. Last evaluated: 2022-03-15. Review status: criteria provided, single submitter. Criteria: ACMG Guidelines, 2015. Collection method: clinical testing. Allele origin: germline. Affected: no.

Sema4
Classification: Likely benign for Hereditary cancer-predisposing syndrome. Last evaluated: 2021-11-06. Review status: criteria provided, single submitter. Criteria: Sema4 Curation Guidelines. Collection method: curation. Allele origin: germline.

GeneDx
Classification: Likely benign. Last evaluated: 2019-02-25. Review status: criteria provided, single submitter. Criteria: GeneDx Variant Classification Process June 2021. Collection method: clinical testing. Allele origin: germline. Affected: yes.

Ambry Genetics
Classification: Likely benign for Hereditary cancer-predisposing syndrome. Last evaluated: 2015-02-25. Review status: criteria provided, single submitter. Criteria: Ambry Autosomal Dominant and X-Linked criteria (10/2015). Collection method: clinical testing. Allele origin: germline. Observed: 1 variant allele.

PreventionGenetics, part of Exact Sciences
Classification: Likely benign for NF1-related condition. Last evaluated: 2023-02-23. Review status: no assertion criteria provided. Collection method: clinical testing. Allele origin: germline. Not counted in ClinVar's aggregate classification.
Comment: This variant is classified as likely benign based on ACMG/AMP sequence variant interpretation guidelines (Richards et al. 2015 PMID: 25741868, with internal and published modifications).

Literature cited by the submitters: PubMed 10678181 (cited by Women's Health and Genetics/Laboratory Corporation of America, LabCorp); PubMed 23460398 (cited by Women's Health and Genetics/Laboratory Corporation of America, LabCorp); PubMed 29872168 (cited by Women's Health and Genetics/Laboratory Corporation of America, LabCorp); PubMed 27069254 (cited by Women's Health and Genetics/Laboratory Corporation of America, LabCorp).

NM_001042492.3(NF1):c.8139G>A (p.Arg2713=)

Gene: NF1 (neurofibromin 1; plus strand). Cytogenetic location: 17q11.2.
Variant type: single nucleotide variant.
Coding change: c.8139G>A on transcript NM_001042492.3 (MANE Select); coding-DNA position 8139, G replaced by A.
Protein change: p.Arg2713=; no amino-acid change (arginine 2713 retained).
Molecular consequence: synonymous variant.
Genome position (GRCh38, 1-based): chr17:31,358,994, G>A. VCF-style: chr17-31358994-G-A. GRCh37 (hg19) VCF-style: chr17-29686012-G-A.
Other names: p.Arg2692=; c.8076G>A, p.Arg2692= (NM_000267.4).
Identifiers: ClinVar variation 216413 (VCV000216413.20), dbSNP rs139527415, ClinGen allele CA337121.